The following is an entry in ClinVar:

ClinVar aggregate classification (germline): Uncertain significance (1 of 4 stars; one submission).

Allele frequency attached by ClinVar (database versions not stated): gnomAD exomes below 0.00001.

Submission:

CeGaT Center for Human Genetics Tuebingen
Classification: Uncertain significance. Last evaluated: 2024-06-01. Review status: criteria provided, single submitter. Criteria: CeGaT Center For Human Genetics Tuebingen Variant Classification Criteria Version 2. Collection method: clinical testing. Allele origin: germline. Affected: yes. Observed: 1 variant allele.
Comment: PKD1: PM2, BP4

NM_001009944.3(PKD1):c.2015G>A (p.Gly672Glu)

Gene: PKD1 (polycystin 1, transient receptor potential channel interacting; minus strand). Cytogenetic location: 16p13.3.
Variant type: single nucleotide variant.
Coding change: c.2015G>A on transcript NM_001009944.3 (MANE Select); coding-DNA position 2015, G replaced by A.
Protein change: p.Gly672Glu; replaces glycine 672 with glutamic acid.
Molecular consequence: missense variant.
Genome position (GRCh38, 1-based): chr16:2,115,460, C>T on the plus strand (G>A on the coding strand, the complement: PKD1 is on the minus strand). VCF-style: chr16-2115460-C-T. GRCh37 (hg19) VCF-style: chr16-2165461-C-T.
Other names: c.2015G>A, p.Gly672Glu (NM_000296.4); short protein forms G672E.
Identifiers: ClinVar variation 3250934 (VCV003250934.18), dbSNP rs1479167632.
Genomic context (GRCh38, chr16:2,115,460, plus strand): 5'-GCGGGAACGGAGAAGAGGAACTCTCTCCATAGCGCATAGGGGGCCCCGGGTAGCCCTGGC[C>T]CTGACGTGCAGCCATTGGCGCAGGCCTGGGGGTGGCAGGAGGCGTCCAGCGGCAAGCAGA-3'
Protein context (NP_001009944.3, residues 662-682): PQACANGCTS[Gly672Glu]PGLPGAPYAL